The following is an entry in ClinVar:

ClinVar aggregate classification (germline): Pathogenic. Review status: criteria provided, multiple submitters, no conflicts (2 of 4 stars). 8 submissions from 8 submitters: Pathogenic (6). 2 of the submissions do not count toward it. Last evaluated 2026-01-22.

Conditions:
C5-related disorders.
C5-related disorder. Also called: C5-related condition.
Complement component 5 deficiency. Also called: C5 DEFICIENCY. Identifiers: MedGen C0343047, MONDO:0012295, OMIM 609536.
Eculizumab, poor response to. Identifiers: MedGen C3810402, OMIM 615749.
Lathosterolosis. Also called: SC5D DEFICIENCY; STEROL C5-DESATURASE DEFICIENCY. Identifiers: Orphanet 46059, MedGen C1846421, MONDO:0011816, OMIM 607330.

Allele frequency attached by ClinVar (database versions not stated): gnomAD exomes 0.00004 and 0.00014; ExAC 0.00011; 1000 Genomes Project 0.00020; 1000 Genomes Project 30x 0.00031; gnomAD 0.00040 and 0.00043; TOPMed 0.00045.
gnomAD v4.1: 128 of 1,613,268 alleles (0.0079%); highest among the groups gnomAD compares: African/African-American, 0.15%; 1 homozygote.

Submissions (8):

Labcorp Genetics (formerly Invitae), Labcorp
Classification: Pathogenic. Last evaluated: 2026-01-22. Review status: criteria provided, single submitter. Criteria: Invitae Variant Classification Sherloc (09022015). Collection method: clinical testing. Allele origin: germline.
Comment: This sequence change creates a premature translational stop signal (p.Gln19*) in the C5 gene. It is expected to result in an absent or disrupted protein product. Loss-of-function variants in C5 are known to be pathogenic (PMID: 7730648, 19414197, 27026170). This variant is present in population databases (rs121909587, gnomAD 0.1%). This premature translational stop signal has been observed in individual(s) with C5 deficiency and C5 deficiency in a family and has also been reported in individuals affected with C5 deficiency, including in the compound heterozygous state (PMID: 7730648, 23371790, 25534848). It has also been observed to segregate with disease in related individuals. This variant is also known as p.Q1X. ClinVar contains an entry for this variant (Variation ID: 17050). For these reasons, this variant has been classified as Pathogenic.

Genomic Medicine Center of Excellence, King Faisal Specialist Hospital and Research Centre
Classification: Pathogenic for Lathosterolosis. Last evaluated: 2024-03-14. Review status: criteria provided, single submitter. Criteria: ACMG Guidelines, 2015. Collection method: clinical testing. Allele origin: germline.

Blueprint Genetics
Classification: Pathogenic for C5-related disorders. Last evaluated: 2024-02-21. Review status: criteria provided, single submitter. Criteria: ACMG Guidelines, 2015. Collection method: clinical testing. Allele origin: germline. Affected: yes. Observed: 5 variant alleles.

Baylor Genetics
Classification: Pathogenic for Complement component 5 deficiency. Last evaluated: 2022-12-16. Review status: criteria provided, single submitter. Criteria: ACMG Guidelines, 2015. Collection method: clinical testing. Allele origin: unknown.

Fulgent Genetics
Classification: Pathogenic for Complement component 5 deficiency; Eculizumab, poor response to. Last evaluated: 2021-06-30. Review status: criteria provided, single submitter. Criteria: ACMG Guidelines, 2015. Collection method: clinical testing. Allele origin: unknown.
Comment: This variant has been detected in individual(s) who were sent for testing of Renasight - kidney gene panel.

Laboratory for Molecular Medicine, Mass General Brigham Personalized Medicine
Classification: Pathogenic for Complement component 5 deficiency. Last evaluated: 2017-07-28. Review status: criteria provided, single submitter. Criteria: ACMG Guidelines, 2015. Collection method: clinical testing. Allele origin: germline. Inheritance: Autosomal recessive inheritance.
Comment: The p.Gln19X variant in C5 has been reported in 3 families with C5 complement deficiency. In 1 family, the 2 affected members carried the variant in the homozygous state (Arnaout 2013), whereas in the remaining 2 families (Wang 1995, reported as(C84 AG to TAG) ) the variant was found in the heterozygous state in 6 affected individuals (presumably a second undetected variant was present on the other allele) . This variant has also been identified in 0.12% (29/24,032) of African chromosomes by the Genome Aggregation Database (gnomAD; dbSNP rs121909587). This nonsense variant leads to a premature termination codon at position 19, which is predicted to lead to a truncated or absent protein. In summary, this variant meets criteria to be classified as pathogenic for C5 complement deficiency in an autosomal recessive manner based upon biallelic case observations, segregation studies and the nature of the variant (nonsense).

PreventionGenetics, part of Exact Sciences
Classification: Likely pathogenic for C5-related condition. Last evaluated: 2024-04-17. Review status: no assertion criteria provided. Collection method: clinical testing. Allele origin: germline. Not counted in ClinVar's aggregate classification.
Comment: The C5 c.55C>T variant is predicted to result in premature protein termination (p.Gln19*). This variant has been reported in the homozygous or compound heterozygous states in patients with C5 deficiency (Arnaout et al. 2013. PubMed ID: 23371790). This variant is reported in 0.13% of alleles in individuals of African descent in gnomAD. Nonsense variants in C5 are expected to be pathogenic. This variant is interpreted as likely pathogenic.

OMIM
Classification: Pathogenic for COMPLEMENT COMPONENT 5 DEFICIENCY. Last evaluated: 1995-05-15. Review status: no assertion criteria provided. Collection method: literature only. Allele origin: germline. Not counted in ClinVar's aggregate classification.

Literature cited by the submitters: PubMed 7730648 (cited by 3 submitters); PubMed 19414197 (cited by Labcorp Genetics (formerly Invitae), Labcorp); PubMed 27026170 (cited by Labcorp Genetics (formerly Invitae), Labcorp); PubMed 23371790 (cited by Labcorp Genetics (formerly Invitae), Labcorp and Laboratory for Molecular Medicine, Mass General Brigham Personalized Medicine); PubMed 25534848 (cited by Labcorp Genetics (formerly Invitae), Labcorp).

NM_001735.3(C5):c.55C>T (p.Gln19Ter)

Gene: C5 (complement C5; minus strand). Cytogenetic location: 9q33.2.
Variant type: single nucleotide variant.
Coding change: c.55C>T on transcript NM_001735.3 (MANE Select); coding-DNA position 55, C replaced by T.
Protein change: p.Gln19Ter; replaces glutamine 19 with a stop codon.
Molecular consequence: nonsense. On other transcripts: intron variant (1).
Genome position (GRCh38, 1-based): chr9:121,050,192, G>A on the plus strand (C>T on the coding strand, the complement: C5 is on the minus strand). VCF-style: chr9-121050192-G-A. GRCh37 (hg19) VCF-style: chr9-123812470-G-A.
Other names: C5, GLN84TER; Q84*; c.55C>T, p.Gln19Ter (NM_001317164.2); c.84-3809C>T (NM_001317163.2); short protein forms Q19*.
Identifiers: ClinVar variation 17050 (VCV000017050.16), dbSNP rs121909587, ClinGen allele CA127051.